The following is an entry in ClinVar:

ClinVar aggregate classification (germline): Uncertain significance (1 of 4 stars; one submission).

Conditions:
Emery-Dreifuss muscular dystrophy (EDMD). Also called: Scapuloperoneal syndrome, X-linked (formerly); Humeroperoneal neuromuscular disease, (formerly). Identifiers: Orphanet 261, MedGen C0410189, MONDO:0016830.

Allele frequency attached by ClinVar (database versions not stated): TOPMed 0.00004; gnomAD exomes 0.00008; ExAC 0.00019.
gnomAD v4.1: 28 of 1,608,044 alleles (0.0017%); highest among the groups gnomAD compares: Admixed American, 0.027%; no homozygotes.

Submission:

Labcorp Genetics (formerly Invitae), Labcorp
Classification: Uncertain significance for Emery-Dreifuss muscular dystrophy. Last evaluated: 2019-04-15. Review status: criteria provided, single submitter. Criteria: Invitae Variant Classification Sherloc (09022015). Collection method: clinical testing. Allele origin: germline.
Comment: This variant is present in population databases (rs773328901, ExAC 0.2%). Algorithms developed to predict the effect of missense changes on protein structure and function output the following: SIFT: "Tolerated"; PolyPhen-2: "Benign"; Align-GVGD: "Class C0". The histidine amino acid residue is found in multiple mammalian species, suggesting that this missense change does not adversely affect protein function. These predictions have not been confirmed by published functional studies and their clinical significance is uncertain. This variant has not been reported in the literature in individuals with SUN1-related conditions. This sequence change replaces arginine with histidine at codon 228 of the SUN1 protein (p.Arg228His). The arginine residue is moderately conserved and there is a small physicochemical difference between arginine and histidine. In summary, the available evidence is currently insufficient to determine the role of this variant in disease. Therefore, it has been classified as a Variant of Uncertain Significance.

NM_001130965.3(SUN1):c.683G>A (p.Arg228His)

Gene: SUN1 (Sad1 and UNC84 domain containing 1; plus strand). Cytogenetic location: 7p22.3.
Variant type: single nucleotide variant.
Coding change: c.683G>A on transcript NM_001130965.3 (MANE Select); coding-DNA position 683, G replaced by A.
Protein change: p.Arg228His; replaces arginine 228 with histidine.
Molecular consequence: missense variant. On other transcripts: synonymous variant (1), non-coding transcript variant (3), intron variant (12).
Genome position (GRCh38, 1-based): chr7:851,408, G>A. VCF-style: chr7-851408-G-A. GRCh37 (hg19) VCF-style: chr7-891045-G-A.
Other names: c.683G>A, p.Arg228His (NM_001367633.1, NM_001367634.1, NM_001367653.1 and 3 more transcripts); c.337G>A, p.Ala113Thr (NM_001367635.1); c.926G>A, p.Arg309His (NM_001367636.1, NM_001367655.1, NM_001367666.1 and 1 more transcripts); c.794G>A, p.Arg265His (NM_001367638.1, NM_001367664.1, NM_001367685.1 and 1 more transcripts); c.227G>A, p.Arg76His (NM_001367639.1); c.965G>A, p.Arg322His (NM_001367641.1, NM_001367682.1, NM_001367698.1); c.878G>A, p.Arg293His (NM_001367643.1, NM_001367693.1, NM_001367697.1); c.617G>A, p.Arg206His (NM_001367644.1, NM_001367680.1, NM_001367701.1); and 24 more; short protein forms A113T, R202H, R215H, R228H, R244H, R256H, R272H, R293H.
Identifiers: ClinVar variation 856305 (VCV000856305.9), dbSNP rs773328901, ClinGen allele CA4111880.